The following is an entry in ClinVar:

ClinVar aggregate classification (germline): Uncertain significance (1 of 4 stars; one submission).

Conditions:
Nemaline myopathy 2 (NEM2). Also called: Nemaline myopathy 2, autosomal recessive. Identifiers: MedGen C1850569, MONDO:0009725, OMIM 256030.

gnomAD v4.1: 3 of 1,613,784 alleles (0.00019%); highest among the groups gnomAD compares: Non-Finnish European, 0.00017%; no homozygotes.

Submission:

Labcorp Genetics (formerly Invitae), Labcorp
Classification: Uncertain significance for Nemaline myopathy 2. Last evaluated: 2020-12-16. Review status: criteria provided, single submitter. Criteria: Invitae Variant Classification Sherloc (09022015). Collection method: clinical testing. Allele origin: germline.
Comment: This sequence change replaces arginine with proline at codon 1612 of the NEB protein (p.Arg1612Pro). The arginine residue is moderately conserved and there is a moderate physicochemical difference between arginine and proline. This variant is not present in population databases (ExAC no frequency). This variant has not been reported in the literature in individuals with NEB-related conditions. Algorithms developed to predict the effect of missense changes on protein structure and function are either unavailable or do not agree on the potential impact of this missense change (SIFT: "Deleterious"; PolyPhen-2: "Not Available"; Align-GVGD: "Class C0"). In summary, the available evidence is currently insufficient to determine the role of this variant in disease. Therefore, it has been classified as a Variant of Uncertain Significance.

NM_001164508.2(NEB):c.4835G>C (p.Arg1612Pro)

Gene: NEB (nebulin; minus strand). Cytogenetic location: 2q23.3.
Variant type: single nucleotide variant.
Coding change: c.4835G>C on transcript NM_001164508.2 (MANE Select); coding-DNA position 4835, G replaced by C.
Protein change: p.Arg1612Pro; replaces arginine 1612 with proline.
Molecular consequence: missense variant.
Genome position (GRCh38, 1-based): chr2:151,666,286, C>G on the plus strand (G>C on the coding strand, the complement: NEB is on the minus strand). VCF-style: chr2-151666286-C-G. GRCh37 (hg19) VCF-style: chr2-152522800-C-G.
Other names: c.4835G>C, p.Arg1612Pro (NM_001164507.2, NM_001271208.2, NM_004543.5); short protein forms R1612P.
Identifiers: ClinVar variation 1915802 (VCV001915802.2), dbSNP rs534531948, ClinGen allele CA348813753.